The following is an entry in ClinVar:

NM_005245.4(FAT1):c.12008T>C (p.Val4003Ala)

Gene: FAT1 (FAT atypical cadherin 1; minus strand). Cytogenetic location: 4q35.2.
Variant type: single nucleotide variant.
Coding change: c.12008T>C on transcript NM_005245.4 (MANE Select); coding-DNA position 12008, T replaced by C.
Protein change: p.Val4003Ala; replaces valine 4003 with alanine.
Molecular consequence: missense variant.
Genome position (GRCh38, 1-based): chr4:186,599,993, A>G on the plus strand (T>C on the coding strand, the complement: FAT1 is on the minus strand). VCF-style: chr4-186599993-A-G. GRCh37 (hg19) VCF-style: chr4-187521147-A-G.
Other names: short protein forms V4003A.
Identifiers: ClinVar variation 1339590 (VCV001339590.7), dbSNP rs563900688, ClinGen allele CA3164973.

ClinVar aggregate classification (germline): Uncertain significance. Review status: criteria provided, multiple submitters, no conflicts (2 of 4 stars). 3 submissions from 3 submitters: Uncertain significance (3). Last evaluated 2025-07-03.

Conditions:
Inborn genetic diseases. Identifiers: MedGen C0950123, MeSH D030342.

Allele frequency attached by ClinVar (database versions not stated): gnomAD exomes 0.00001 and 0.00004; ExAC 0.00004; 1000 Genomes Project 30x 0.00016; 1000 Genomes Project 0.00020; TOPMed 0.00020; gnomAD 0.00023 and 0.00027.
gnomAD v4.1: 50 of 1,613,982 alleles (0.0031%); highest among the groups gnomAD compares: African/African-American, 0.057%; no homozygotes.

Submissions (3):

Ambry Genetics
Classification: Uncertain significance for Inborn genetic diseases. Last evaluated: 2025-07-03. Review status: criteria provided, single submitter. Criteria: Ambry Variant Classification Scheme 2023. Collection method: clinical testing. Allele origin: germline.

Labcorp Genetics (formerly Invitae), Labcorp
Classification: Uncertain significance. Last evaluated: 2024-12-24. Review status: criteria provided, single submitter. Criteria: Invitae Variant Classification Sherloc (09022015). Collection method: clinical testing. Allele origin: germline.
Comment: This sequence change replaces valine, which is neutral and non-polar, with alanine, which is neutral and non-polar, at codon 4003 of the FAT1 protein (p.Val4003Ala). This variant is present in population databases (rs563900688, gnomAD 0.05%). This variant has not been reported in the literature in individuals affected with FAT1-related conditions. ClinVar contains an entry for this variant (Variation ID: 1339590). An algorithm developed to predict the effect of missense changes on protein structure and function (PolyPhen-2) suggests that this variant is likely to be disruptive. In summary, the available evidence is currently insufficient to determine the role of this variant in disease. Therefore, it has been classified as a Variant of Uncertain Significance.

GeneDx
Classification: Uncertain significance. Last evaluated: 2024-03-28. Review status: criteria provided, single submitter. Criteria: GeneDx Variant Classification Process June 2021. Collection method: clinical testing. Allele origin: germline. Affected: yes.
Comment: In silico analysis supports that this missense variant does not alter protein structure/function; Has not been previously published as pathogenic or benign to our knowledge